The following is an entry in ClinVar:

ClinVar aggregate classification (germline): Uncertain significance (1 of 4 stars; one submission).

Submission:

Labcorp Genetics (formerly Invitae), Labcorp
Classification: Uncertain significance. Last evaluated: 2022-09-16. Review status: criteria provided, single submitter. Criteria: Invitae Variant Classification Sherloc (09022015). Collection method: clinical testing. Allele origin: germline.
Comment: This variant is not present in population databases (gnomAD no frequency). In summary, the available evidence is currently insufficient to determine the role of this variant in disease. Therefore, it has been classified as a Variant of Uncertain Significance. This variant has not been reported in the literature in individuals affected with ICOSLG-related conditions. This sequence change creates a premature translational stop signal (p.Gln185*) in the ICOSLG gene. It is expected to result in an absent or disrupted protein product. However, the current clinical and genetic evidence is not sufficient to establish whether loss-of-function variants in ICOSLG cause disease.

NM_015259.6(ICOSLG):c.553C>T (p.Gln185Ter)

Gene: ICOSLG (inducible T cell costimulator ligand; minus strand). Cytogenetic location: 21q22.3.
Variant type: single nucleotide variant.
Coding change: c.553C>T on transcript NM_015259.6 (MANE Select); coding-DNA position 553, C replaced by T.
Protein change: p.Gln185Ter; replaces glutamine 185 with a stop codon.
Molecular consequence: nonsense.
Genome position (GRCh38, 1-based): chr21:44,235,416, G>A on the plus strand (C>T on the coding strand, the complement: ICOSLG is on the minus strand). VCF-style: chr21-44235416-G-A. GRCh37 (hg19) VCF-style: chr21-45655299-G-A.
Other names: c.553C>T, p.Gln185Ter (NM_001283050.2, NM_001395918.1); c.202C>T, p.Gln68Ter (NM_001283051.2); c.298C>T, p.Gln100Ter (NM_001283052.2); c.472C>T, p.Gln158Ter (NM_001365759.2); short protein forms Q158*, Q68*, Q185*, Q100*.
Identifiers: ClinVar variation 2030860 (VCV002030860.4), dbSNP rs749822218, ClinGen allele CA410614900.